The following is an entry in ClinVar:

NM_003906.5(MCM3AP):c.5729C>G (p.Ser1910Cys)

Genes: MCM3AP (minichromosome maintenance complex component 3 associated protein; minus strand), MCM3AP-AS1 (MCM3AP antisense RNA 1; plus strand). Cytogenetic location: 21q22.3.
Variant type: single nucleotide variant.
Coding change: c.5729C>G on transcript NM_003906.5 (MANE Select); coding-DNA position 5729, C replaced by G.
Protein change: p.Ser1910Cys; replaces serine 1910 with cysteine.
Molecular consequence: missense variant.
Genome position (GRCh38, 1-based): chr21:46,236,884, G>C on the plus strand (C>G on the coding strand, the complement: MCM3AP is on the minus strand). VCF-style: chr21-46236884-G-C. GRCh37 (hg19) VCF-style: chr21-47656798-G-C.
Other names: c.5729C>G (NM_003906.3); short protein forms S1910C.
Identifiers: ClinVar variation 1717177 (VCV001717177.6), dbSNP rs764571372, ClinGen allele CA10075768.

ClinVar aggregate classification (germline): Uncertain significance. Review status: criteria provided, multiple submitters, no conflicts (2 of 4 stars). 2 submissions from 2 submitters: Uncertain significance (2). Last evaluated 2025-03-22.

Conditions:
Inborn genetic diseases. Identifiers: MedGen C0950123, MeSH D030342.

Allele frequency attached by ClinVar (database versions not stated): TOPMed below 0.00001; gnomAD 0.00001; gnomAD exomes 0.00001; ExAC 0.00002.

Submissions (2):

Ambry Genetics
Classification: Uncertain significance for Inborn genetic diseases. Last evaluated: 2025-03-22. Review status: criteria provided, single submitter. Criteria: Ambry Variant Classification Scheme 2023. Collection method: clinical testing. Allele origin: germline.

Labcorp Genetics (formerly Invitae), Labcorp
Classification: Uncertain significance. Last evaluated: 2022-08-20. Review status: criteria provided, single submitter. Criteria: Invitae Variant Classification Sherloc (09022015). Collection method: clinical testing. Allele origin: germline.
Comment: This variant is present in population databases (rs764571372, gnomAD 0.04%). This sequence change replaces serine, which is neutral and polar, with cysteine, which is neutral and slightly polar, at codon 1910 of the MCM3AP protein (p.Ser1910Cys). This variant has not been reported in the literature in individuals affected with MCM3AP-related conditions. Algorithms developed to predict the effect of missense changes on protein structure and function are either unavailable or do not agree on the potential impact of this missense change (SIFT: "Deleterious"; PolyPhen-2: "Possibly Damaging"; Align-GVGD: "Class C15"). In summary, the available evidence is currently insufficient to determine the role of this variant in disease. Therefore, it has been classified as a Variant of Uncertain Significance.